The following is an entry in ClinVar:

NM_002087.4(GRN):c.562G>A (p.Ala188Thr)

Gene: GRN (granulin precursor; plus strand). Cytogenetic location: 17q21.31.
Variant type: single nucleotide variant.
Coding change: c.562G>A on transcript NM_002087.4 (MANE Select); coding-DNA position 562, G replaced by A.
Protein change: p.Ala188Thr; replaces alanine 188 with threonine.
Molecular consequence: missense variant.
Genome position (GRCh38, 1-based): chr17:44,350,541, G>A. VCF-style: chr17-44350541-G-A. GRCh37 (hg19) VCF-style: chr17-42427909-G-A.
Other names: short protein forms A188T.
Identifiers: ClinVar variation 2110555 (VCV002110555.4), dbSNP rs1598363768, ClinGen allele CA399763925.

ClinVar aggregate classification (germline): Uncertain significance (1 of 4 stars; one submission).

Conditions:
Neuronal ceroid lipofuscinosis 11. Also called: GRN-Related Neuronal Ceroid-Lipofuscinosis. Identifiers: Orphanet 314629, Orphanet 79262, MedGen C3539123, MONDO:0013866, OMIM 614706.
GRN-related frontotemporal lobar degeneration with Tdp43 inclusions (FTD2). Also called: DEMENTIA, HEREDITARY DYSPHASIC DISINHIBITION; FRONTOTEMPORAL LOBAR DEGENERATION WITH UBIQUITIN-POSITIVE INCLUSIONS; FTLD-TDP, GRN-RELATED; GRN Frontotemporal Dementia; FRONTOTEMPORAL DEMENTIA WITH TDP43 INCLUSIONS, GRN-RELATED. Identifiers: Orphanet 100070, Orphanet 282, MedGen C1843792, MONDO:0011842, OMIM 607485. Disease mechanism: loss of function.

Submission:

Labcorp Genetics (formerly Invitae), Labcorp
Classification: Uncertain significance for Neuronal ceroid lipofuscinosis 11; GRN-related frontotemporal lobar degeneration with Tdp43 inclusions. Last evaluated: 2022-03-13. Review status: criteria provided, single submitter. Criteria: Invitae Variant Classification Sherloc (09022015). Collection method: clinical testing. Allele origin: germline.
Comment: This sequence change replaces alanine, which is neutral and non-polar, with threonine, which is neutral and polar, at codon 188 of the GRN protein (p.Ala188Thr). In summary, the available evidence is currently insufficient to determine the role of this variant in disease. Therefore, it has been classified as a Variant of Uncertain Significance. Algorithms developed to predict the effect of missense changes on protein structure and function (SIFT, PolyPhen-2, Align-GVGD) all suggest that this variant is likely to be tolerated. This variant has not been reported in the literature in individuals affected with GRN-related conditions. This variant is not present in population databases (gnomAD no frequency).